The following is an entry in ClinVar:

ClinVar aggregate classification (germline): Pathogenic. Review status: reviewed by expert panel (3 of 4 stars). 2 submissions from 2 submitters: Pathogenic (1). 1 of the submissions does not count toward it. Last evaluated 2016-09-08.

Conditions:
Breast-ovarian cancer, familial, susceptibility to, 2 (BROVCA2). Also called: BRCA2 Hereditary Breast and Ovarian Cancer. Identifiers: Orphanet 145, MedGen C2675520, MONDO:0012933, OMIM 612555. Disease mechanism: loss of function.

Submissions (2):

Evidence-based Network for the Interpretation of Germline Mutant Alleles (ENIGMA)
Classification: Pathogenic for Breast-ovarian cancer, familial, susceptibility to, 2. Last evaluated: 2016-09-08. Review status: reviewed by expert panel. Criteria: ENIGMA BRCA1/2 Classification Criteria (2015). Collection method: curation. Allele origin: germline.
Comment: Variant allele predicted to encode a truncated non-functional protein.

Sharing Clinical Reports Project (SCRP)
Classification: Pathogenic for Breast-ovarian cancer, familial 2. Last evaluated: 2012-02-03. Review status: no assertion criteria provided. Collection method: clinical testing. Allele origin: germline. Not counted in ClinVar's aggregate classification.

NM_000059.4(BRCA2):c.2618_2619del (p.Ile873fs)

Gene: BRCA2 (BRCA2 DNA repair associated; plus strand). Cytogenetic location: 13q13.1.
Variant type: Deletion.
Coding change: c.2618_2619del on transcript NM_000059.4 (MANE Select); coding-DNA positions 2618 to 2619, 2 bases deleted (TA; older notation c.2618_2619delTA).
Protein change: p.Ile873fs; shifts the reading frame from isoleucine 873.
Molecular consequence: frameshift variant.
Genome position (GRCh38, 1-based): chr13:32,336,973-32,336,974, TA deleted; deleting any 2 consecutive bases within chr13:32,336,972-32,336,974 gives the same sequence; the c. name uses the placement nearest the transcript's 3' end. VCF-style (leftmost placement, unchanged base first): chr13-32336971-AAT-A. GRCh37 (hg19) VCF-style: chr13-32911108-AAT-A.
Other names: 2846delTA; c.2618_2619delTA (NM_000059.3); short protein forms I873fs.
Identifiers: ClinVar variation 37795 (VCV000037795.2), dbSNP rs397507290, ClinGen allele CA015858.